The following continues an entry in ClinVar:

NM_001267550.2(TTN):c.41521G>A (p.Asp13841Asn)

Gene: TTN. ClinVar aggregate classification (germline): Conflicting classifications of pathogenicity. Uncertain significance (11); Benign (2); Likely benign (8).

Submissions 15 to 26 of 26:

Illumina Laboratory Services, Illumina
Classification: Uncertain significance for Early-onset myopathy with fatal cardiomyopathy. Last evaluated: 2018-01-12. Review status: criteria provided, single submitter. Criteria: ICSL Variant Classification Criteria 13 December 2019. Collection method: clinical testing. Allele origin: germline.

Illumina Laboratory Services, Illumina
Classification: Uncertain significance for Autosomal recessive limb-girdle muscular dystrophy type 2J. Last evaluated: 2018-01-12. Review status: criteria provided, single submitter. Criteria: ICSL Variant Classification Criteria 13 December 2019. Collection method: clinical testing. Allele origin: germline.

Labcorp Genetics (formerly Invitae), Labcorp
Classification: Uncertain significance for Dilated cardiomyopathy 1G; Autosomal recessive limb-girdle muscular dystrophy type 2J. Last evaluated: 2017-11-16. Review status: criteria provided, single submitter. Criteria: Invitae Variant Classification Sherloc (09022015). Collection method: clinical testing. Allele origin: germline.

Centre for Mendelian Genomics, University Medical Centre Ljubljana
Classification: Uncertain significance for Myopathy. Last evaluated: 2017-01-01. Review status: criteria provided, single submitter. Criteria: ACMG Guidelines, 2015. Collection method: clinical testing. Allele origin: unknown. Affected: yes.

Eurofins Ntd Llc (ga)
Classification: Uncertain significance. Last evaluated: 2016-09-27. Review status: criteria provided, single submitter. Criteria: EGL Classification Definitions 2015. Collection method: clinical testing. Allele origin: germline. Observed: 2 variant alleles, 2 heterozygotes.

Laboratory for Molecular Medicine, Mass General Brigham Personalized Medicine
Classification: Uncertain significance. Last evaluated: 2015-05-29. Review status: criteria provided, single submitter. Criteria: LMM Criteria. Collection method: clinical testing. Allele origin: germline. Observed: 1 variant allele.
Comment: The p.Asp11273Asn variant in TTN has not been previously reported in individuals with cardiomyopathy, but has been identified in 35/66552 European chromosomes b y the Exome Aggregation Consortium (ExAC; dbSNP rs201257644). Computational prediction tools and conservation analysis do not pr ovide strong support for or against an impact to the protein. In summary, the cl inical significance of the p.Asp11273Asn variant is uncertain.

Biesecker Lab/Clinical Genomics Section, National Institutes of Health
Classification: Uncertain significance. Last evaluated: 2013-06-24. Review status: criteria provided, single submitter. Criteria: Ng et al. (Circ Cardiovasc Genet. 2013). Collection method: research. Allele origin: unknown. Observed: 1 variant allele. Study: ClinSeq.
Comment: The study set was not selected for affection status in relation to any cancer. Pathogenicity categories were based on literature curation. See Pubmed ID:23861362 for details.

Medical sequencing

Clinical Genetics DNA and cytogenetics Diagnostics Lab, Erasmus MC, Erasmus Medical Center
Classification: Likely benign. Review status: no assertion criteria provided. Collection method: clinical testing. Allele origin: germline. Affected: yes. Study: VKGL Data-share Consensus. Not counted in ClinVar's aggregate classification.

Clinical Genetics, Academic Medical Center
Classification: Likely benign. Review status: no assertion criteria provided. Collection method: clinical testing. Allele origin: germline. Affected: yes. Study: VKGL Data-share Consensus. Not counted in ClinVar's aggregate classification.

Diagnostic Laboratory, Department of Genetics, University Medical Center Groningen
Classification: Likely benign. Review status: no assertion criteria provided. Collection method: clinical testing. Allele origin: germline. Affected: yes. Study: VKGL Data-share Consensus. Not counted in ClinVar's aggregate classification.

Genome Diagnostics Laboratory, University Medical Center Utrecht
Classification: Likely benign. Review status: no assertion criteria provided. Collection method: clinical testing. Allele origin: germline. Affected: yes. Study: VKGL Data-share Consensus. Not counted in ClinVar's aggregate classification.

Joint Genome Diagnostic Labs from Nijmegen and Maastricht, Radboudumc and MUMC+
Classification: Likely benign. Review status: no assertion criteria provided. Collection method: clinical testing. Allele origin: germline. Affected: yes. Study: VKGL Data-share Consensus. Not counted in ClinVar's aggregate classification.

Literature cited by the submitters: PubMed 23861362 (cited by Mayo Clinic Laboratories, Mayo Clinic and Women's Health and Genetics/Laboratory Corporation of America, LabCorp); PubMed 25214167 (cited by Mayo Clinic Laboratories, Mayo Clinic and Women's Health and Genetics/Laboratory Corporation of America, LabCorp); PubMed 30615648 (cited by Women's Health and Genetics/Laboratory Corporation of America, LabCorp); PubMed 31028938 (cited by Women's Health and Genetics/Laboratory Corporation of America, LabCorp).